The following is an entry in ClinVar:

ClinVar aggregate classification (germline): Uncertain significance (1 of 4 stars; one submission).

Conditions:
Hyperkalemic periodic paralysis. Also called: Familial hyperkalemic periodic paralysis; Gamstorp disease. Identifiers: Orphanet 682, MedGen C0238357, MONDO:0008224, OMIM 170500, HP:0007215.

Submission:

Labcorp Genetics (formerly Invitae), Labcorp
Classification: Uncertain significance for Hyperkalemic periodic paralysis. Last evaluated: 2025-11-18. Review status: criteria provided, single submitter. Criteria: Invitae Variant Classification Sherloc (09022015). Collection method: clinical testing. Allele origin: germline.
Comment: This sequence change replaces alanine, which is neutral and non-polar, with serine, which is neutral and polar, at codon 1820 of the SCN4A protein (p.Ala1820Ser). This variant is not present in population databases (gnomAD no frequency). This variant has not been reported in the literature in individuals affected with SCN4A-related conditions. Invitae Evidence Modeling of protein sequence and biophysical properties (such as structural, functional, and spatial information, amino acid conservation, physicochemical variation, residue mobility, and thermodynamic stability) indicates that this missense variant is not expected to disrupt SCN4A protein function with a negative predictive value of 95%. In summary, the available evidence is currently insufficient to determine the role of this variant in disease. Therefore, it has been classified as a Variant of Uncertain Significance.

NM_000334.4(SCN4A):c.5458G>T (p.Ala1820Ser)

Genes: GH-LCR (growth hormone locus control region; plus strand), SCN4A (sodium voltage-gated channel alpha subunit 4; minus strand). Cytogenetic location: 17q23.3.
Variant type: single nucleotide variant.
Coding change: c.5458G>T on transcript NM_000334.4 (MANE Select); coding-DNA position 5458, G replaced by T.
Protein change: p.Ala1820Ser; replaces alanine 1820 with serine.
Molecular consequence: missense variant.
Genome position (GRCh38, 1-based): chr17:63,940,824, C>A on the plus strand (G>T on the coding strand, the complement: SCN4A is on the minus strand). VCF-style: chr17-63940824-C-A. GRCh37 (hg19) VCF-style: chr17-62018184-C-A.
Other names: short protein forms A1820S.
Identifiers: ClinVar variation 4746991 (VCV004746991.1).